The following is an entry in ClinVar:

NM_005188.4(CBL):c.935G>C (p.Gly312Ala)

Gene: CBL (Cbl proto-oncogene; plus strand). Cytogenetic location: 11q23.3.
Variant type: single nucleotide variant.
Coding change: c.935G>C on transcript NM_005188.4 (MANE Select); coding-DNA position 935, G replaced by C.
Protein change: p.Gly312Ala; replaces glycine 312 with alanine.
Molecular consequence: missense variant.
Genome position (GRCh38, 1-based): chr11:119,276,062, G>C. VCF-style: chr11-119276062-G-C. GRCh37 (hg19) VCF-style: chr11-119146772-G-C.
Other names: short protein forms G312A.
Identifiers: ClinVar variation 4219901 (VCV004219901.1).

ClinVar aggregate classification (germline): Uncertain significance (1 of 4 stars; one submission).

Conditions:
Cardiovascular phenotype. Identifiers: MedGen CN230736.

Submission:

Ambry Genetics
Classification: Uncertain significance for Cardiovascular phenotype. Last evaluated: 2025-08-19. Review status: criteria provided, single submitter. Criteria: Ambry Variant Classification Scheme 2023. Collection method: clinical testing. Allele origin: germline.
Comment: The p.G312A variant (also known as c.935G>C), located in coding exon 6 of the CBL gene, results from a G to C substitution at nucleotide position 935. The glycine at codon 312 is replaced by alanine, an amino acid with similar properties. This amino acid position is conserved. In addition, this alteration is predicted to be deleterious by in silico analysis. Based on the available evidence, the clinical significance of this variant remains unclear.